The following is an entry in ClinVar:

ClinVar aggregate classification (germline): Uncertain significance (1 of 4 stars; one submission).

Conditions:
Autosomal dominant Parkinson disease 8. Also called: LRRK2-Related Parkinson Disease; Parkinson disease 8; Parkinson disease 8, susceptibility to. Identifiers: Orphanet 411602, MedGen C1846862, MONDO:0011764, OMIM 607060.

gnomAD v4.1: 2 of 1,613,736 alleles (0.00012%); highest among the groups gnomAD compares: Non-Finnish European, 0.00017%; no homozygotes.

Submission:

Labcorp Genetics (formerly Invitae), Labcorp
Classification: Uncertain significance for Autosomal dominant Parkinson disease 8. Last evaluated: 2022-03-06. Review status: criteria provided, single submitter. Criteria: Invitae Variant Classification Sherloc (09022015). Collection method: clinical testing. Allele origin: germline.
Comment: In summary, the available evidence is currently insufficient to determine the role of this variant in disease. Therefore, it has been classified as a Variant of Uncertain Significance. Algorithms developed to predict the effect of missense changes on protein structure and function are either unavailable or do not agree on the potential impact of this missense change (SIFT: "Deleterious"; PolyPhen-2: "Benign"; Align-GVGD: "Class C0"). This variant has not been reported in the literature in individuals affected with LRRK2-related conditions. This variant is not present in population databases (gnomAD no frequency). This sequence change replaces lysine, which is basic and polar, with asparagine, which is neutral and polar, at codon 1046 of the LRRK2 protein (p.Lys1046Asn).

NM_198578.4(LRRK2):c.3138A>T (p.Lys1046Asn)

Gene: LRRK2 (leucine rich repeat kinase 2; plus strand). Cytogenetic location: 12q12.
Variant type: single nucleotide variant.
Coding change: c.3138A>T on transcript NM_198578.4 (MANE Select); coding-DNA position 3138, A replaced by T.
Protein change: p.Lys1046Asn; replaces lysine 1046 with asparagine.
Molecular consequence: missense variant.
Genome position (GRCh38, 1-based): chr12:40,298,284, A>T. VCF-style: chr12-40298284-A-T. GRCh37 (hg19) VCF-style: chr12-40692086-A-T.
Other names: short protein forms K1046N.
Identifiers: ClinVar variation 2107256 (VCV002107256.4), dbSNP rs2499745012, ClinGen allele CA384414169.